The following is an entry in ClinVar:

NM_015338.6(ASXL1):c.1596T>A (p.Ser532=)

Gene: ASXL1 (ASXL transcriptional regulator 1; plus strand). Cytogenetic location: 20q11.21.
Variant type: single nucleotide variant.
Coding change: c.1596T>A on transcript NM_015338.6 (MANE Select); coding-DNA position 1596, T replaced by A.
Protein change: p.Ser532=; no amino-acid change (serine 532 retained).
Molecular consequence: synonymous variant.
Genome position (GRCh38, 1-based): chr20:32,433,794, T>A. VCF-style: chr20-32433794-T-A. GRCh37 (hg19) VCF-style: chr20-31021597-T-A.
Other names: c.1413T>A, p.Ser471= (NM_001363734.1).
Identifiers: ClinVar variation 3791744 (VCV003791744.9).

ClinVar aggregate classification (germline): Likely benign. Review status: criteria provided, multiple submitters, no conflicts (2 of 4 stars). 2 submissions from 2 submitters: Likely benign (2). Last evaluated 2025-07-01.

Conditions:
Inborn genetic diseases. Identifiers: MedGen C0950123, MeSH D030342.

gnomAD v4.1: 17 of 1,614,228 alleles (0.0011%); highest among the groups gnomAD compares: Non-Finnish European, 0.0013%; no homozygotes.

Submissions (2):

CeGaT Center for Human Genetics Tuebingen
Classification: Likely benign. Last evaluated: 2025-07-01. Review status: criteria provided, single submitter. Criteria: CeGaT Center For Human Genetics Tuebingen Variant Classification Criteria Version 2. Collection method: clinical testing. Allele origin: germline. Affected: yes. Observed: 1 variant allele.
Comment: ASXL1: BP4, BS2

Ambry Genetics
Classification: Likely benign for Inborn genetic diseases. Last evaluated: 2024-12-29. Review status: criteria provided, single submitter. Criteria: Ambry Variant Classification Scheme 2023. Collection method: clinical testing. Allele origin: germline.